The following is an entry in ClinVar:

NM_177438.3(DICER1):c.5087C>T (p.Thr1696Ile)

Gene: DICER1 (dicer 1, ribonuclease III; minus strand). Cytogenetic location: 14q32.13.
Variant type: single nucleotide variant.
Coding change: c.5087C>T on transcript NM_177438.3 (MANE Select); coding-DNA position 5087, C replaced by T.
Protein change: p.Thr1696Ile; replaces threonine 1696 with isoleucine.
Molecular consequence: missense variant. On other transcripts: non-coding transcript variant (6).
Genome position (GRCh38, 1-based): chr14:95,095,833, G>A on the plus strand (C>T on the coding strand, the complement: DICER1 is on the minus strand). VCF-style: chr14-95095833-G-A. GRCh37 (hg19) VCF-style: chr14-95562170-G-A.
Other names: c.5087C>T, p.Thr1696Ile (NM_001195573.1, NM_001271282.3, NM_001291628.2 and 12 more transcripts); c.4805C>T, p.Thr1602Ile (NM_001395686.1); c.4682C>T, p.Thr1561Ile (NM_001395687.1, NM_001395688.1, NM_001395689.1 and 2 more transcripts); c.4520C>T, p.Thr1507Ile (NM_001395691.1); c.3404C>T, p.Thr1135Ile (NM_001395697.1); short protein forms T1561I, T1507I, T1602I, T1135I, T1696I.
Identifiers: ClinVar variation 4240519 (VCV004240519.1).

ClinVar aggregate classification (germline): Uncertain significance (1 of 4 stars; one submission).

Conditions:
Hereditary cancer-predisposing syndrome. Also called: Hereditary Cancer Syndrome; Hereditary neoplastic syndrome; Neoplastic Syndromes, Hereditary; Tumor predisposition. Identifiers: Orphanet 140162, MedGen C0027672, MeSH D009386, MONDO:0015356.

Submission:

Ambry Genetics
Classification: Uncertain significance for Hereditary cancer-predisposing syndrome. Last evaluated: 2025-08-07. Review status: criteria provided, single submitter. Criteria: Ambry Variant Classification Scheme 2023. Collection method: clinical testing. Allele origin: germline.
Comment: The p.T1696I variant (also known as c.5087C>T), located in coding exon 22 of the DICER1 gene, results from a C to T substitution at nucleotide position 5087. The threonine at codon 1696 is replaced by isoleucine, an amino acid with similar properties. This amino acid position is conserved. In addition, this alteration is predicted to be deleterious by in silico analysis. Based on the available evidence, the clinical significance of this variant remains unclear.